The following is an entry in ClinVar:

ClinVar aggregate classification (germline): Uncertain significance (1 of 4 stars; one submission).

Submission:

Ambry Genetics
Classification: Uncertain significance. Last evaluated: 2024-06-26. Review status: criteria provided, single submitter. Criteria: Ambry Variant Classification Scheme 2023. Collection method: clinical testing. Allele origin: germline.
Comment: The p.S36R variant (also known as c.106A>C), located in coding exon 1 of the TERF2IP gene, results from an A to C substitution at nucleotide position 106. The serine at codon 36 is replaced by arginine, an amino acid with dissimilar properties. This amino acid position is conserved. In addition, this alteration is predicted to be tolerated by in silico analysis. Since supporting evidence is limited at this time, the clinical significance of this alteration remains unclear.

NM_018975.4(TERF2IP):c.106A>C (p.Ser36Arg)

Gene: TERF2IP (TERF2 interacting protein; plus strand). Cytogenetic location: 16q23.1.
Variant type: single nucleotide variant.
Coding change: c.106A>C on transcript NM_018975.4 (MANE Select); coding-DNA position 106, A replaced by C.
Protein change: p.Ser36Arg; replaces serine 36 with arginine.
Molecular consequence: missense variant. On other transcripts: non-coding transcript variant (1).
Genome position (GRCh38, 1-based): chr16:75,647,988, A>C. VCF-style: chr16-75647988-A-C. GRCh37 (hg19) VCF-style: chr16-75681886-A-C.
Other names: short protein forms S36R.
Identifiers: ClinVar variation 1782844 (VCV001782844.3), dbSNP rs2507072463, ClinGen allele CA396817240.